The following is an entry in ClinVar:

ClinVar aggregate classification (germline): Uncertain significance (1 of 4 stars; one submission).

Conditions:
Cardiovascular phenotype. Identifiers: MedGen CN230736.

Submission:

Ambry Genetics
Classification: Uncertain significance for Cardiovascular phenotype. Last evaluated: 2023-08-11. Review status: criteria provided, single submitter. Criteria: Ambry Variant Classification Scheme 2023. Collection method: clinical testing. Allele origin: germline.
Comment: The p.S499A variant (also known as c.1495T>G), located in coding exon 13 of the PTPN11 gene, results from a T to G substitution at nucleotide position 1495. The serine at codon 499 is replaced by alanine, an amino acid with similar properties. This amino acid position is conserved. In addition, the in silico prediction for this alteration is inconclusive. Since supporting evidence is limited at this time, the clinical significance of this alteration remains unclear.

NM_002834.5(PTPN11):c.1495T>G (p.Ser499Ala)

Gene: PTPN11 (protein tyrosine phosphatase non-receptor type 11; plus strand). Cytogenetic location: 12q24.13.
Variant type: single nucleotide variant.
Coding change: c.1495T>G on transcript NM_002834.5 (MANE Select); coding-DNA position 1495, T replaced by G.
Protein change: p.Ser499Ala; replaces serine 499 with alanine.
Molecular consequence: missense variant.
Genome position (GRCh38, 1-based): chr12:112,489,071, T>G. VCF-style: chr12-112489071-T-G. GRCh37 (hg19) VCF-style: chr12-112926875-T-G.
Other names: c.1507T>G, p.Ser503Ala (NM_001330437.2); c.1492T>G, p.Ser498Ala (NM_001374625.1); short protein forms S503A, S498A, S499A.
Identifiers: ClinVar variation 2587735 (VCV002587735.2), dbSNP rs1566186813, ClinGen allele CA386779809.
Genomic context (GRCh38, chr12:112,489,071, plus strand): 5'-GTTTCCTTCGTAGGTGTTGACTGCGATATTGACGTTCCCAAAACCATCCAGATGGTGCGG[T>G]CTCAGAGGTCAGGGATGGTCCAGACAGAAGCACAGTACCGATTTATCTATATGGCGGTCC-3'
Protein context (NP_002825.3, residues 489-509): DVPKTIQMVR[Ser499Ala]QRSGMVQTEA